The following is an entry in ClinVar:

NM_022089.4(ATP13A2):c.477+5G>T

Gene: ATP13A2 (ATPase cation transporting 13A2; minus strand). Cytogenetic location: 1p36.13.
Variant type: single nucleotide variant.
Coding change: c.477+5G>T on transcript NM_022089.4 (MANE Select); 5 bases into the intron after coding-DNA position 477, G replaced by T.
Molecular consequence: intron variant.
Genome position (GRCh38, 1-based): chr1:17,004,687, C>A on the plus strand (G>T on the coding strand, the complement: ATP13A2 is on the minus strand). VCF-style: chr1-17004687-C-A. GRCh37 (hg19) VCF-style: chr1-17331182-C-A.
Other names: c.462+20G>T (NM_001141974.3, NM_001141973.3).
Identifiers: ClinVar variation 1742967 (VCV001742967.16), dbSNP rs374708010, ClinGen allele CA637637.

ClinVar aggregate classification (germline): Uncertain significance. Review status: criteria provided, multiple submitters, no conflicts (2 of 4 stars). 3 submissions from 3 submitters: Uncertain significance (3). Last evaluated 2025-01-01.

Conditions:
Inborn genetic diseases. Identifiers: MedGen C0950123, MeSH D030342.

Allele frequency attached by ClinVar (database versions not stated): ESP Exome Variant Server 0.00008.
gnomAD v4.1: 24 of 1,614,060 alleles (0.0015%); highest among the groups gnomAD compares: Non-Finnish European, 0.002%; no homozygotes.

Submissions (3):

CeGaT Center for Human Genetics Tuebingen
Classification: Uncertain significance. Last evaluated: 2025-01-01. Review status: criteria provided, single submitter. Criteria: CeGaT Center For Human Genetics Tuebingen Variant Classification Criteria Version 2. Collection method: clinical testing. Allele origin: germline. Affected: yes. Observed: 1 variant allele.
Comment: ATP13A2: PM2, PP3

Blueprint Genetics
Classification: Uncertain significance. Last evaluated: 2023-05-22. Review status: criteria provided, single submitter. Criteria: ACMG Guidelines, 2015. Collection method: clinical testing. Allele origin: germline.

Ambry Genetics
Classification: Uncertain significance for Inborn genetic diseases. Last evaluated: 2018-09-16. Review status: criteria provided, single submitter. Criteria: Ambry Variant Classification Scheme 2023. Collection method: clinical testing. Allele origin: germline.
Comment: The c.477+5G>T intronic variant results from a G to T substitution 5 nucleotides after coding exon 5 in the ATP13A2 gene. This nucleotide position is well conserved in available vertebrate species. Using the BDGP and ESEfinder splice site prediction tools, this alteration is not predicted to have any significant effect on this splice donor site; however, direct evidence is unavailable. Since supporting evidence is limited at this time, the clinical significance of this alteration remains unclear.